The following is an entry in ClinVar:

ClinVar aggregate classification (germline): Uncertain significance. Review status: criteria provided, multiple submitters, no conflicts (2 of 4 stars). 2 submissions from 2 submitters: Uncertain significance (2). Last evaluated 2025-11-12.

Conditions:
Inborn genetic diseases. Identifiers: MedGen C0950123, MeSH D030342.

Allele frequency attached by ClinVar (database versions not stated): gnomAD 0.00006; TOPMed 0.00008; 1000 Genomes Project 0.00020; ExAC 0.00005; ESP Exome Variant Server 0.00008; gnomAD exomes 0.00009; 1000 Genomes Project 30x 0.00016.
gnomAD v4.1: 131 of 1,614,150 alleles (0.0081%); highest among the groups gnomAD compares: Middle Eastern, 0.049%; no homozygotes.

Submissions (2):

Labcorp Genetics (formerly Invitae), Labcorp
Classification: Uncertain significance. Last evaluated: 2025-11-12. Review status: criteria provided, single submitter. Criteria: Invitae Variant Classification Sherloc (09022015). Collection method: clinical testing. Allele origin: germline.
Comment: This sequence change replaces glutamic acid, which is acidic and polar, with lysine, which is basic and polar, at codon 362 of the NR3C1 protein (p.Glu362Lys). This variant is present in population databases (rs200364416, gnomAD 0.01%). This variant has not been reported in the literature in individuals affected with NR3C1-related conditions. ClinVar contains an entry for this variant (Variation ID: 2885747). An algorithm developed to predict the effect of missense changes on protein structure and function (PolyPhen-2) suggests that this variant is likely to be disruptive. In summary, the available evidence is currently insufficient to determine the role of this variant in disease. Therefore, it has been classified as a Variant of Uncertain Significance.

Ambry Genetics
Classification: Uncertain significance for Inborn genetic diseases. Last evaluated: 2023-11-03. Review status: criteria provided, single submitter. Criteria: Ambry Variant Classification Scheme 2023. Collection method: clinical testing. Allele origin: germline.

NM_000176.3(NR3C1):c.1084G>A (p.Glu362Lys)

Gene: NR3C1 (nuclear receptor subfamily 3 group C member 1; minus strand). Cytogenetic location: 5q31.3.
Variant type: single nucleotide variant.
Coding change: c.1084G>A on transcript NM_000176.3 (MANE Select); coding-DNA position 1084, G replaced by A.
Protein change: p.Glu362Lys; replaces glutamic acid 362 with lysine.
Molecular consequence: missense variant.
Genome position (GRCh38, 1-based): chr5:143,399,756, C>T on the plus strand (G>A on the coding strand, the complement: NR3C1 is on the minus strand). VCF-style: chr5-143399756-C-T. GRCh37 (hg19) VCF-style: chr5-142779321-C-T.
Other names: c.1084G>A, p.Glu362Lys (NM_001018074.1, NM_001018075.1, NM_001018076.2 and 10 more transcripts); c.1006G>A, p.Glu336Lys (NM_001204258.2); c.829G>A, p.Glu277Lys (NM_001204259.2); c.817G>A, p.Glu273Lys (NM_001204260.2); c.793G>A, p.Glu265Lys (NM_001204261.2); c.139G>A, p.Glu47Lys (NM_001204262.2); c.94G>A, p.Glu32Lys (NM_001204263.2); c.79G>A, p.Glu27Lys (NM_001204264.2); short protein forms E27K, E277K, E362K, E265K, E273K, E32K, E336K, E47K.
Identifiers: ClinVar variation 2885747 (VCV002885747.4), dbSNP rs200364416, ClinGen allele CA3486961.
Genomic context (GRCh38, chr5:143,399,756, plus strand): 5'-TCAGAGTCCCCAGAGAAGTCAAGTTGTCATCTCCAGATCCTTGGCACCTATTCCAATTTT[C>T]GGAACCAACGGGAATTGGTGGAATGACATTAAAAATAGGCTTCTGATCCTGCTGTTGAGA-3'
Protein context (NP_000167.1, residues 352-372): NVIPPIPVGS[Glu362Lys]NWNRCQGSGD